The following is an entry in ClinVar:

NM_001182.5(ALDH7A1):c.1317+19C>T

Gene: ALDH7A1 (aldehyde dehydrogenase 7 family member A1; minus strand). Cytogenetic location: 5q23.2.
Variant type: single nucleotide variant.
Coding change: c.1317+19C>T on transcript NM_001182.5 (MANE Select); 19 bases into the intron after coding-DNA position 1317, C replaced by T.
Molecular consequence: intron variant.
Genome position (GRCh38, 1-based): chr5:126,552,002, G>A on the plus strand (C>T on the coding strand, the complement: ALDH7A1 is on the minus strand). VCF-style: chr5-126552002-G-A. GRCh37 (hg19) VCF-style: chr5-125887694-G-A.
Other names: c.1125+19C>T (NM_001202404.2); c.1233+19C>T (NM_001201377.2).
Identifiers: ClinVar variation 509036 (VCV000509036.9), dbSNP rs368215460, ClinGen allele CA3389459.

ClinVar aggregate classification (germline): Likely benign. Review status: criteria provided, multiple submitters, no conflicts (2 of 4 stars). 3 submissions from 3 submitters: Likely benign (3). Last evaluated 2025-12-28.

Conditions:
Pyridoxine-dependent epilepsy (EPEO4). Also called: Pyridoxine-Dependent Seizures; PYRIDOXINE DEPENDENCY WITH SEIZURES; EPILEPSY, EARLY-ONSET, 4, VITAMIN B6-DEPENDENT; Pyridoxine-Dependent Epilepsy - ALDH7A1. Identifiers: Orphanet 3006, MedGen C1849508, MONDO:0009945, OMIM 266100. Disease mechanism: loss of function.

Allele frequency attached by ClinVar (database versions not stated): TOPMed below 0.00001; gnomAD exomes 0.00004 and 0.00003; ESP Exome Variant Server 0.00008; gnomAD 0.00003 and 0.00004; ExAC 0.00003.
gnomAD v4.1: 42 of 1,554,702 alleles (0.0027%); highest among the groups gnomAD compares: East Asian, 0.025%; no homozygotes.

Submissions (3):

Labcorp Genetics (formerly Invitae), Labcorp
Classification: Likely benign for Pyridoxine-dependent epilepsy. Last evaluated: 2025-12-28. Review status: criteria provided, single submitter. Criteria: Invitae Variant Classification Sherloc (09022015). Collection method: clinical testing. Allele origin: germline.

Genome-Nilou Lab
Classification: Likely benign for Pyridoxine-dependent epilepsy. Last evaluated: 2023-04-11. Review status: criteria provided, single submitter. Criteria: ACMG Guidelines, 2015. Collection method: clinical testing. Allele origin: germline. Affected: no.

GeneDx
Classification: Likely benign. Last evaluated: 2017-04-18. Review status: criteria provided, single submitter. Criteria: GeneDx Variant Classification (06012015). Collection method: clinical testing. Allele origin: germline. Affected: yes.
Comment: This variant is considered likely benign or benign based on one or more of the following criteria: it is a conservative change, it occurs at a poorly conserved position in the protein, it is predicted to be benign by multiple in silico algorithms, and/or has population frequency not consistent with disease.